The following is an entry in ClinVar:

NM_017780.4(CHD7):c.6103+9A>G

Gene: CHD7 (chromodomain helicase DNA binding protein 7; plus strand). Cytogenetic location: 8q12.2.
Variant type: single nucleotide variant.
Coding change: c.6103+9A>G on transcript NM_017780.4 (MANE Select); 9 bases into the intron after coding-DNA position 6103, A replaced by G.
Molecular consequence: intron variant.
Genome position (GRCh38, 1-based): chr8:60,852,715, A>G. VCF-style: chr8-60852715-A-G. GRCh37 (hg19) VCF-style: chr8-61765274-A-G.
Other names: c.1717-9514A>G (NM_001316690.1).
Identifiers: ClinVar variation 930823 (VCV000930823.3), dbSNP rs1805508072, ClinGen allele CA1139660555.
Genomic context (GRCh38, chr8:60,852,715, plus strand): 5'-TTTGTGGCCATGTGTAGGCGAGTATGTCGAATGCCCGTCAAGCCAGATGATGGTAGGTAC[A>G]TTTAGCAACAAAGTTCTATACAAAAAGACGAGTAAAGTGAAAAATAAGAAAGTGTACAAT-3'

ClinVar aggregate classification (germline): Uncertain significance (1 of 4 stars; one submission).

Conditions:
CHARGE syndrome (CHARGE). Also called: Hittner Hirsch Kreh syndrome; Coloboma, heart anomaly, choanal atresia, retardation, genital and ear anomalies; CHARGE association; Hall-Hittner syndrome; CHARGE ASSOCIATION--COLOBOMA, HEART ANOMALY, CHOANAL ATRESIA, RETARDATION, GENITAL AND EAR ANOMALIES. Identifiers: Orphanet 138, MedGen C0265354, MONDO:0008965.

Submission:

Centre for Mendelian Genomics, University Medical Centre Ljubljana
Classification: Uncertain significance for CHD7-related CHARGE syndrome. Last evaluated: 2020-01-20. Review status: criteria provided, single submitter. Criteria: ACMG Guidelines, 2015. Collection method: clinical testing. Allele origin: unknown. Affected: yes.
Comment: This variant was classified as: Uncertain significance. The available evidence on this variant's pathogenicity is insufficient or conflicting. The following ACMG criteria were applied in classifying this variant: PM2,BP4.